The following is an entry in ClinVar:

NM_024675.4(PALB2):c.2661C>T (p.Ile887=)

Gene: PALB2 (partner and localizer of BRCA2; minus strand). Cytogenetic location: 16p12.2.
Variant type: single nucleotide variant.
Coding change: c.2661C>T on transcript NM_024675.4 (MANE Select); coding-DNA position 2661, C replaced by T.
Protein change: p.Ile887=; no amino-acid change (isoleucine 887 retained).
Molecular consequence: synonymous variant.
Genome position (GRCh38, 1-based): chr16:23,626,323, G>A on the plus strand (C>T on the coding strand, the complement: PALB2 is on the minus strand). VCF-style: chr16-23626323-G-A. GRCh37 (hg19) VCF-style: chr16-23637644-G-A.
Identifiers: ClinVar variation 1569209 (VCV001569209.10), dbSNP rs180177120, ClinGen allele CA494161261.

ClinVar aggregate classification (germline): Benign/Likely benign. Review status: criteria provided, multiple submitters, no conflicts (2 of 4 stars). 2 submissions from 2 submitters: Benign (1); Likely benign (1). Last evaluated 2025-01-17.

Conditions:
Familial cancer of breast. Also called: BREAST CANCER, FAMILIAL; Hereditary breast cancer; hereditary breast carcinoma. Identifiers: Orphanet 227535, MedGen C0346153, MONDO:0016419, OMIM 114480. Disease mechanism: loss of function.

Allele frequency attached by ClinVar (database versions not stated): gnomAD exomes below 0.00001.
gnomAD v4.1: 1 of 1,614,178 alleles (0.000062%); highest among the groups gnomAD compares: Non-Finnish European, 0.000085%; no homozygotes.

Submissions (2):

Myriad Genetics, Inc.
Classification: Benign for Familial cancer of breast. Last evaluated: 2025-01-17. Review status: criteria provided, single submitter. Criteria: Myriad Autosomal Dominant, Autosomal Recessive and X-Linked Classification Criteria (2023). Collection method: clinical testing. Allele origin: unknown.
Comment: This variant is considered benign. This variant is a silent/synonymous amino acid change and it is not expected to impact splicing.

Labcorp Genetics (formerly Invitae), Labcorp
Classification: Likely benign for Familial cancer of breast. Last evaluated: 2021-06-29. Review status: criteria provided, single submitter. Criteria: Invitae Variant Classification Sherloc (09022015). Collection method: clinical testing. Allele origin: germline.